The following is an entry in ClinVar:

NM_003742.4(ABCB11):c.2610+18A>C

Gene: ABCB11 (ATP binding cassette subfamily B member 11; minus strand). Cytogenetic location: 2q31.1.
Variant type: single nucleotide variant.
Coding change: c.2610+18A>C on transcript NM_003742.4 (MANE Select); 18 bases into the intron after coding-DNA position 2610, A replaced by C.
Molecular consequence: intron variant.
Genome position (GRCh38, 1-based): chr2:168,944,587, T>G on the plus strand (A>C on the coding strand, the complement: ABCB11 is on the minus strand). VCF-style: chr2-168944587-T-G. GRCh37 (hg19) VCF-style: chr2-169801097-T-G.
Other names: c.2610+18A>C (LRG_1199t1).
Identifiers: ClinVar variation 259150 (VCV000259150.7), dbSNP rs11568374, ClinGen allele CA1951239.

ClinVar aggregate classification (germline): Likely benign. Review status: criteria provided, multiple submitters, no conflicts (2 of 4 stars). 4 submissions from 4 submitters: Likely benign (4). Last evaluated 2026-01-31.

Allele frequency attached by ClinVar (database versions not stated): gnomAD exomes 0.00045 and 0.00064; 1000 Genomes Project 30x 0.00047; 1000 Genomes Project 0.00060; gnomAD 0.00065 and 0.00066; ExAC 0.00067; TOPMed 0.00070; ESP Exome Variant Server 0.00075.
gnomAD v4.1: 748 of 1,573,460 alleles (0.048%); highest among the groups gnomAD compares: Admixed American, 0.079%; no homozygotes.

Submissions (4):

Labcorp Genetics (formerly Invitae), Labcorp
Classification: Likely benign. Last evaluated: 2026-01-31. Review status: criteria provided, single submitter. Criteria: Invitae Variant Classification Sherloc (09022015). Collection method: clinical testing. Allele origin: germline.

Blueprint Genetics
Classification: Likely benign. Last evaluated: 2024-11-26. Review status: criteria provided, single submitter. Criteria: ACMG Guidelines, 2015. Collection method: clinical testing. Allele origin: germline.

GeneDx
Classification: Likely benign. Last evaluated: 2017-10-05. Review status: criteria provided, single submitter. Criteria: GeneDx Variant Classification (06012015). Collection method: clinical testing. Allele origin: germline. Affected: yes.
Comment: This variant is considered likely benign or benign based on one or more of the following criteria: it is a conservative change, it occurs at a poorly conserved position in the protein, it is predicted to be benign by multiple in silico algorithms, and/or has population frequency not consistent with disease.

PreventionGenetics, part of Exact Sciences
Classification: Likely benign. Review status: criteria provided, single submitter. Criteria: ACMG Guidelines, 2015. Collection method: clinical testing. Allele origin: germline.